The following is an entry in ClinVar:

NM_007194.3:c.(319+1_320-1)_(846+1_847-1)dup

Gene: CHEK2 (checkpoint kinase 2; minus strand).
Variant type: Duplication.
Identifiers: ClinVar variation 1065549 (VCV001065549.2).

ClinVar aggregate classification (germline): Likely pathogenic (1 of 4 stars; one submission).

Conditions:
Hereditary cancer-predisposing syndrome. Also called: Hereditary Cancer Syndrome; Hereditary neoplastic syndrome; Neoplastic Syndromes, Hereditary; Tumor predisposition. Identifiers: Orphanet 140162, MedGen C0027672, MeSH D009386, MONDO:0015356.

Submission:

Ambry Genetics
Classification: Likely pathogenic for Hereditary cancer-predisposing syndrome. Last evaluated: 2019-02-14. Review status: criteria provided, single submitter. Criteria: Ambry Autosomal Dominant and X-Linked criteria (3/2017). Collection method: clinical testing. Allele origin: germline. Observed: 1 variant allele.
Comment: The EX2_6dup gross duplication spans coding exons 2 through 6 in the CHEK2 gene; however, the exact breakpoints of the duplication were not determined. Additional analysis identified this duplication in tandem in at least one proband and is predicted to result in a premature truncation causing a translational frameshift with a predicted alternate stop codon (Ambry internal data). Based on the majority of available evidence to date, this variant is likely to be pathogenic.